The following is an entry in ClinVar:

NM_002528.7(NTHL1):c.910C>T (p.Leu304Phe)

Gene: NTHL1 (nth like DNA glycosylase 1; minus strand). Cytogenetic location: 16p13.3.
Variant type: single nucleotide variant.
Coding change: c.910C>T on transcript NM_002528.7 (MANE Select); coding-DNA position 910, C replaced by T.
Protein change: p.Leu304Phe; replaces leucine 304 with phenylalanine.
Molecular consequence: missense variant.
Genome position (GRCh38, 1-based): chr16:2,039,929, G>A on the plus strand (C>T on the coding strand, the complement: NTHL1 is on the minus strand). VCF-style: chr16-2039929-G-A. GRCh37 (hg19) VCF-style: chr16-2089930-G-A.
Other names: c.739C>T, p.Leu247Phe (NM_001318193.2); c.580C>T, p.Leu194Phe (NM_001318194.2); short protein forms L194F, L247F, L304F.
Identifiers: ClinVar variation 4861223 (VCV004861223.1).

ClinVar aggregate classification (germline): Uncertain significance (1 of 4 stars; one submission).

Conditions:
Hereditary cancer-predisposing syndrome. Also called: Neoplastic Syndromes, Hereditary; Tumor predisposition; Hereditary Cancer Syndrome; Hereditary neoplastic syndrome. Identifiers: Orphanet 140162, MedGen C0027672, MeSH D009386, MONDO:0015356.

Submission:

Ambry Genetics
Classification: Uncertain significance for Hereditary cancer-predisposing syndrome. Last evaluated: 2026-03-18. Review status: criteria provided, single submitter. Criteria: Ambry Variant Classification Scheme 2023. Collection method: clinical testing. Allele origin: germline.
Comment: The p.L312F variant (also known as c.934C>T), located in coding exon 6 of the NTHL1 gene, results from a C to T substitution at nucleotide position 934. The leucine at codon 312 is replaced by phenylalanine, an amino acid with highly similar properties. This amino acid position is conserved. In addition, this alteration is predicted to be tolerated by in silico analysis. Based on the available evidence, the clinical significance of this variant remains unclear.